The following is an entry in ClinVar:

NM_183357.3(ADCY5):c.2930+5G>C

Gene: ADCY5 (adenylate cyclase 5; minus strand). Cytogenetic location: 3q21.1.
Variant type: single nucleotide variant.
Coding change: c.2930+5G>C on transcript NM_183357.3 (MANE Select); 5 bases into the intron after coding-DNA position 2930, G replaced by C.
Molecular consequence: intron variant.
Genome position (GRCh38, 1-based): chr3:123,297,348, C>G on the plus strand (G>C on the coding strand, the complement: ADCY5 is on the minus strand). VCF-style: chr3-123297348-C-G. GRCh37 (hg19) VCF-style: chr3-123016195-C-G.
Other names: c.2930+5G>C (NM_001378259.1); c.1880+5G>C (NM_001199642.1).
Identifiers: ClinVar variation 4527332 (VCV004527332.1).
Genomic context (GRCh38, chr3:123,297,348, plus strand): 5'-CTGCCCTCCCTGTCTGCTCTGTGCTGAGGGCAGGGAGCGACCCTATCCGAGGAGCATCAA[C>G]TCACCACTGGGAGGTCCCGTTGTTGAAGAAGTCTCTGTGAAGAGAGTTGGGGAAGACTGG-3'

ClinVar aggregate classification (germline): Uncertain significance (1 of 4 stars; one submission).

Submission:

GeneDx
Classification: Uncertain significance. Last evaluated: 2025-04-25. Review status: criteria provided, single submitter. Criteria: GeneDx Variant Classification Process June 2021. Collection method: clinical testing. Allele origin: germline. Affected: yes.
Comment: Not observed at significant frequency in large population cohorts (gnomAD); Intronic +5 splice site variant in a gene for which loss of function is a known mechanism of disease, and both splice predictors and evolutionary conservation support a deleterious effect, although in the absence of functional evidence the actual effect of this sequence change is unknown.; Has not been previously published as pathogenic or benign to our knowledge